The following is an entry in ClinVar:

NM_000038.6(APC):c.3248A>T (p.Asp1083Val)

Gene: APC (APC regulator of Wnt signaling pathway; plus strand). Cytogenetic location: 5q22.2.
Variant type: single nucleotide variant.
Coding change: c.3248A>T on transcript NM_000038.6 (MANE Select); coding-DNA position 3248, A replaced by T.
Protein change: p.Asp1083Val; replaces aspartic acid 1083 with valine.
Molecular consequence: missense variant. On other transcripts: non-coding transcript variant (2).
Genome position (GRCh38, 1-based): chr5:112,838,842, A>T. VCF-style: chr5-112838842-A-T. GRCh37 (hg19) VCF-style: chr5-112174539-A-T.
Other names: c.3248A>T, p.Asp1083Val (NM_001127510.3, NM_001354895.2, NM_001407450.1); c.3194A>T, p.Asp1065Val (NM_001127511.3); c.3302A>T, p.Asp1101Val (NM_001354896.2, NM_001407447.1, NM_001407448.1 and 1 more transcripts); c.3278A>T, p.Asp1093Val (NM_001354897.2); c.3173A>T, p.Asp1058Val (NM_001354898.2); c.3164A>T, p.Asp1055Val (NM_001354899.2); c.3125A>T, p.Asp1042Val (NM_001354900.2); c.3071A>T, p.Asp1024Val (NM_001354901.2, NM_001407453.1); and 11 more; short protein forms D1000V, D1024V, D1042V, D1055V, D1058V, D1065V, D1073V, D1076V.
Identifiers: ClinVar variation 4861373 (VCV004861373.1).

ClinVar aggregate classification (germline): Uncertain significance (1 of 4 stars; one submission).

Conditions:
Hereditary cancer-predisposing syndrome. Also called: Neoplastic Syndromes, Hereditary; Tumor predisposition; Hereditary Cancer Syndrome; Hereditary neoplastic syndrome. Identifiers: Orphanet 140162, MedGen C0027672, MeSH D009386, MONDO:0015356.

Submission:

Ambry Genetics
Classification: Uncertain significance for Hereditary cancer-predisposing syndrome. Last evaluated: 2026-04-23. Review status: criteria provided, single submitter. Criteria: Ambry Variant Classification Scheme 2023. Collection method: clinical testing. Allele origin: germline.
Comment: The p.D1083V variant (also known as c.3248A>T), located in coding exon 15 of the APC gene, results from an A to T substitution at nucleotide position 3248. The aspartic acid at codon 1083 is replaced by valine, an amino acid with highly dissimilar properties. This amino acid position is conserved. In addition, in silico predictors for this gene do not accurately predict pathogenicity. Based on the available evidence, the clinical significance of this variant remains unclear.